The following is an entry in ClinVar:

ClinVar aggregate classification (germline): Uncertain significance (1 of 4 stars; one submission).

gnomAD v4.1: 10 of 1,614,008 alleles (0.00062%); highest among the groups gnomAD compares: Admixed American, 0.0033%; no homozygotes.

Submission:

Labcorp Genetics (formerly Invitae), Labcorp
Classification: Uncertain significance. Last evaluated: 2025-04-20. Review status: criteria provided, single submitter. Criteria: Invitae Variant Classification Sherloc (09022015). Collection method: clinical testing. Allele origin: germline.
Comment: This sequence change replaces alanine, which is neutral and non-polar, with threonine, which is neutral and polar, at codon 442 of the GATA3 protein (p.Ala442Thr). This variant is not present in population databases (gnomAD no frequency). This variant has not been reported in the literature in individuals affected with GATA3-related conditions. An algorithm developed to predict the effect of missense changes on protein structure and function (PolyPhen-2) suggests that this variant is likely to be disruptive. In summary, the available evidence is currently insufficient to determine the role of this variant in disease. Therefore, it has been classified as a Variant of Uncertain Significance.

NM_001002295.2(GATA3):c.1324G>A (p.Ala442Thr)

Gene: GATA3 (GATA binding protein 3; plus strand). Cytogenetic location: 10p14.
Variant type: single nucleotide variant.
Coding change: c.1324G>A on transcript NM_001002295.2 (MANE Select); coding-DNA position 1324, G replaced by A.
Protein change: p.Ala442Thr; replaces alanine 442 with threonine.
Molecular consequence: missense variant. On other transcripts: 3 prime UTR variant (6).
Genome position (GRCh38, 1-based): chr10:8,074,012, G>A. VCF-style: chr10-8074012-G-A. GRCh37 (hg19) VCF-style: chr10-8115975-G-A.
Other names: c.1324G>A, p.Ala442Thr (NM_001441115.1, NM_001441116.1, NM_001441117.1 and 6 more transcripts); c.1321G>A, p.Ala441Thr (NM_001441124.1, NM_001441125.1, NM_001441126.1 and 3 more transcripts); c.*212G>A (NM_001441129.1, NM_001441130.1, NM_001441131.1 and 2 more transcripts); c.*269G>A (NM_001441134.1); c.445G>A, p.Ala149Thr (NM_001441135.1); short protein forms A442T, A441T, A149T.
Identifiers: ClinVar variation 4774574 (VCV004774574.1).